The following is an entry in ClinVar:

NM_001042681.2(RERE):c.4297C>G (p.His1433Asp)

Gene: RERE (arginine-glutamic acid dipeptide repeats; minus strand). Cytogenetic location: 1p36.23.
Variant type: single nucleotide variant.
Coding change: c.4297C>G on transcript NM_001042681.2 (MANE Select); coding-DNA position 4297, C replaced by G.
Protein change: p.His1433Asp; replaces histidine 1433 with aspartic acid.
Molecular consequence: missense variant.
Genome position (GRCh38, 1-based): chr1:8,358,238, G>C on the plus strand (C>G on the coding strand, the complement: RERE is on the minus strand). VCF-style: chr1-8358238-G-C. GRCh37 (hg19) VCF-style: chr1-8418298-G-C.
Other names: c.2635C>G, p.His879Asp (NM_001042682.2); c.4297C>G, p.His1433Asp (NM_012102.4); short protein forms H1433D, H879D.
Identifiers: ClinVar variation 521311 (VCV000521311.9), dbSNP rs1553154132, ClinGen allele CA338168800.

ClinVar aggregate classification (germline): Conflicting classifications of pathogenicity. Review status: criteria provided, conflicting classifications (1 of 4 stars). 5 submissions from 5 submitters: Pathogenic (1); Likely pathogenic (3); Uncertain significance (1). Last evaluated 2026-04-28.

Conditions:
Inborn genetic diseases. Identifiers: MedGen C0950123, MeSH D030342.
Neurodevelopmental disorder with or without anomalies of the brain, eye, or heart (NEDBEH). Identifiers: Orphanet 494344, MedGen C5567477, MONDO:0014857, OMIM 616975.

Submissions (5):

Wales Gene Park, Division Of Cancer and Genetics, Cardiff University
Classification: Likely pathogenic for Neurodevelopmental disorder with or without anomalies of the brain, eye, or heart. Last evaluated: 2026-04-28. Review status: criteria provided, single submitter. Criteria: ACGS Best Practice Guidelines for Variant Classification in Rare Disease 2024. Collection method: research. Allele origin: de novo. Inheritance: Autosomal dominant inheritance. Affected: yes. Study: 100,000 Genomes Project (Wales).
Comment: De novo RERE missense variant detected by trio genome sequencing. Not in gnomAD (v4.1.1). Phenotype consistent with gene but not highly specific and high genetic heterogeneity. Previously reported de novo in ClinVar (Accession: SCV006307837.1). Other missense changes at same residue reported in ClinVar as pathogenic/likely pathogenic (p.His1433Tyr, p.His1433Pro). Located in a functional domain with other pathogenic missense variants clustered nearby. Evidence codes: PM2, PM1_supporting, PM5, PS2_moderate.

Ambry Genetics
Classification: Pathogenic for Inborn genetic diseases. Last evaluated: 2026-01-30. Review status: criteria provided, single submitter. Criteria: Ambry Variant Classification Scheme 2023. Collection method: clinical testing. Allele origin: germline.
Comment: The c.4297C>G (p.H1433D) alteration is located in exon 21 (coding exon 19) of the RERE gene. This alteration results from a C to G substitution at nucleotide position 4297, causing the histidine (H) at amino acid position 1433 to be replaced by an aspartic acid (D). This variant was not reported in population-based cohorts in the Genome Aggregation Database (gnomAD). This variant was determined to be de novo in at least one individual with features consistent with RERE-related neurodevelopmental disorder with or without congenital anomalies (Zhang, 2024; external communication, Ambry internal data). This amino acid position is highly conserved in available vertebrate species. This alteration is predicted to be deleterious by in silico analysis. Based on the available evidence, this alteration is classified as pathogenic.

Daryl Scott Lab, Baylor College of Medicine
Classification: Likely pathogenic for Neurodevelopmental disorder with or without anomalies of the brain, eye, or heart. Last evaluated: 2025-08-05. Review status: criteria provided, single submitter. Criteria: ACMG Guidelines, 2015. Collection method: clinical testing. Allele origin: de novo. Affected: yes. Observed: 1 heterozygote.
Comment: PS2, PM1, PM2, PP3

Greenwood Genetic Center Diagnostic Laboratories, Greenwood Genetic Center
Classification: Likely pathogenic for Neurodevelopmental disorder with or without anomalies of the brain, eye, or heart. Last evaluated: 2024-05-30. Review status: criteria provided, single submitter. Criteria: ACMG Guidelines, 2015. Collection method: clinical testing. Allele origin: germline. Affected: yes.
Comment: the same text as in the submission from Daryl Scott Lab, Baylor College of Medicine above.

Blueprint Genetics
Classification: Uncertain significance. Last evaluated: 2021-02-22. Review status: criteria provided, single submitter. Criteria: ACMG Guidelines, 2015. Collection method: clinical testing. Allele origin: germline.

Literature cited by the submitters: PubMed 26350515 (cited by Ambry Genetics); PubMed 27087320 (cited by Ambry Genetics); PubMed 38837156 (cited by Ambry Genetics).